The following is an entry in ClinVar:

ClinVar aggregate classification (germline): Uncertain significance (1 of 4 stars; one submission).

Conditions:
Long QT syndrome (LQTS). Identifiers: MedGen C0023976, MeSH D008133, MONDO:0002442. Disease mechanism: loss of function. Inheritance: Various modes of inheritance.

gnomAD v4.1: 1 of 1,560,024 alleles (0.000064%); highest among the groups gnomAD compares: Non-Finnish European, 0.000087%; no homozygotes.

Submission:

Labcorp Genetics (formerly Invitae), Labcorp
Classification: Uncertain significance for Long QT syndrome. Last evaluated: 2023-08-04. Review status: criteria provided, single submitter. Criteria: Invitae Variant Classification Sherloc (09022015). Collection method: clinical testing. Allele origin: germline.
Comment: In summary, the available evidence is currently insufficient to determine the role of this variant in disease. Therefore, it has been classified as a Variant of Uncertain Significance. Advanced modeling of protein sequence and biophysical properties (such as structural, functional, and spatial information, amino acid conservation, physicochemical variation, residue mobility, and thermodynamic stability) performed at Invitae indicates that this missense variant is expected to disrupt KCNQ1 protein function. This variant has not been reported in the literature in individuals affected with KCNQ1-related conditions. This variant is not present in population databases (gnomAD no frequency). This sequence change replaces arginine, which is basic and polar, with glycine, which is neutral and non-polar, at codon 533 of the KCNQ1 protein (p.Arg533Gly).

NM_000218.3(KCNQ1):c.1597C>G (p.Arg533Gly)

Gene: KCNQ1 (potassium voltage-gated channel subfamily Q member 1; plus strand). Cytogenetic location: 11p15.5.
Variant type: single nucleotide variant.
Coding change: c.1597C>G on transcript NM_000218.3 (MANE Select); coding-DNA position 1597, C replaced by G.
Protein change: p.Arg533Gly; replaces arginine 533 with glycine.
Molecular consequence: missense variant.
Genome position (GRCh38, 1-based): chr11:2,775,966, C>G. VCF-style: chr11-2775966-C-G. GRCh37 (hg19) VCF-style: chr11-2797196-C-G.
Other names: c.1501C>G, p.Arg501Gly (NM_001406836.1); c.1327C>G, p.Arg443Gly (NM_001406837.1); c.1057C>G, p.Arg353Gly (NM_001406838.1); c.1216C>G, p.Arg406Gly (NM_181798.2); short protein forms R353G, R443G, R501G, R533G, R406G.
Identifiers: ClinVar variation 2750004 (VCV002750004.3), dbSNP rs199472793, ClinGen allele CA379139069.